The following is an entry in ClinVar:

ClinVar aggregate classification (germline): Uncertain significance (1 of 4 stars; one submission).

Conditions:
Emery-Dreifuss muscular dystrophy 5, autosomal dominant (EDMD5). Also called: EMERY-DREIFUSS MUSCULAR DYSTROPHY 5. Identifiers: Orphanet 261, MedGen C2751805, MONDO:0013072, OMIM 612999.

Allele frequency attached by ClinVar (database versions not stated): gnomAD exomes below 0.00001; gnomAD 0.00001; ExAC 0.00002.

Submission:

Labcorp Genetics (formerly Invitae), Labcorp
Classification: Uncertain significance for Emery-Dreifuss muscular dystrophy 5, autosomal dominant. Last evaluated: 2023-01-01. Review status: criteria provided, single submitter. Criteria: Invitae Variant Classification Sherloc (09022015). Collection method: clinical testing. Allele origin: germline.
Comment: The frequency data for this variant in the population databases is considered unreliable, as metrics indicate poor data quality at this position in the gnomAD database. This variant results in the deletion of part of exon 67 (c.13020_13023+9del) of the SYNE2 gene. It is expected to disrupt RNA splicing. Variants that disrupt the donor or acceptor splice site typically lead to a loss of protein function (PMID: 16199547), however the current clinical and genetic evidence is not sufficient to establish whether loss-of-function variants in SYNE2 cause disease. In summary, the available evidence is currently insufficient to determine the role of this variant in disease. Therefore, it has been classified as a Variant of Uncertain Significance. Algorithms developed to predict the effect of sequence changes on RNA splicing suggest that this variant may disrupt the consensus splice site. This variant has not been reported in the literature in individuals affected with SYNE2-related conditions.

Literature cited by the submitters: PubMed 16199547.

NM_182914.3(SYNE2):c.13020_13023+9del

Gene: SYNE2 (spectrin repeat containing nuclear envelope protein 2; plus strand). Cytogenetic location: 14q23.2.
Variant type: Deletion.
Coding change: c.13020_13023+9del on transcript NM_182914.3 (MANE Select); coding-DNA position 13020 through 9 bases into the intron after coding-DNA position 13023, 13 bases deleted (TCAGGTAAAAAAT).
Molecular consequence: splice donor variant.
Genome position (GRCh38, 1-based): chr14:64,119,606-64,119,618, TCAGGTAAAAAAT deleted. VCF-style (leftmost placement, unchanged base first): chr14-64119605-ATCAGGTAAAAAAT-A. GRCh37 (hg19) VCF-style: chr14-64586323-ATCAGGTAAAAAAT-A.
Other names: c.13020_13023+9del (NM_015180.6).
Identifiers: ClinVar variation 2900385 (VCV002900385.3), dbSNP rs752030558, ClinGen allele CA7222303.